The following is an entry in ClinVar:

ClinVar aggregate classification (germline): Uncertain significance (1 of 4 stars; one submission).

Conditions:
Developmental and epileptic encephalopathy, 12 (DEE12). Identifiers: MedGen C3150988, MONDO:0013389, OMIM 613722.

Allele frequency attached by ClinVar (database versions not stated): gnomAD exomes below 0.00001.
gnomAD v4.1: 1 of 1,611,298 alleles (0.000062%); highest among the groups gnomAD compares: Non-Finnish European, 0.000085%; no homozygotes.

Submission:

Labcorp Genetics (formerly Invitae), Labcorp
Classification: Uncertain significance for Developmental and epileptic encephalopathy, 12. Last evaluated: 2022-09-27. Review status: criteria provided, single submitter. Criteria: Invitae Variant Classification Sherloc (09022015). Collection method: clinical testing. Allele origin: germline.
Comment: In summary, the available evidence is currently insufficient to determine the role of this variant in disease. Therefore, it has been classified as a Variant of Uncertain Significance. Advanced modeling of protein sequence and biophysical properties (such as structural, functional, and spatial information, amino acid conservation, physicochemical variation, residue mobility, and thermodynamic stability) performed at Invitae indicates that this missense variant is not expected to disrupt PLCB1 protein function. ClinVar contains an entry for this variant (Variation ID: 1382122). This variant has not been reported in the literature in individuals affected with PLCB1-related conditions. This variant is not present in population databases (gnomAD no frequency). This sequence change replaces threonine, which is neutral and polar, with alanine, which is neutral and non-polar, at codon 894 of the PLCB1 protein (p.Thr894Ala).

NM_015192.4(PLCB1):c.2680A>G (p.Thr894Ala)

Gene: PLCB1 (phospholipase C beta 1; plus strand). Cytogenetic location: 20p12.3.
Variant type: single nucleotide variant.
Coding change: c.2680A>G on transcript NM_015192.4 (MANE Select); coding-DNA position 2680, A replaced by G.
Protein change: p.Thr894Ala; replaces threonine 894 with alanine.
Molecular consequence: missense variant.
Genome position (GRCh38, 1-based): chr20:8,760,430, A>G. VCF-style: chr20-8760430-A-G. GRCh37 (hg19) VCF-style: chr20-8741077-A-G.
Other names: c.2680A>G, p.Thr894Ala (NM_182734.3); short protein forms T894A.
Identifiers: ClinVar variation 1382122 (VCV001382122.6), dbSNP rs2123572151, ClinGen allele CA408207986.